The following is an entry in ClinVar:

ClinVar aggregate classification (germline): Conflicting classifications of pathogenicity. Review status: criteria provided, conflicting classifications (1 of 4 stars). 8 submissions from 7 submitters: Uncertain significance (1); Benign (4); Likely benign (3). Last evaluated 2025-11-04.

Conditions:
Autosomal recessive nonsyndromic hearing loss 37. Identifiers: Orphanet 90636, MedGen C1843028, MONDO:0011912, OMIM 607821.
Autosomal dominant nonsyndromic hearing loss 22. Also called: DFNA 22; Autosomal dominant nonsyndromic deafness 22. Identifiers: Orphanet 228012, MedGen C2931767, MONDO:0011660, OMIM 606346.

Allele frequency attached by ClinVar (database versions not stated): 1000 Genomes Project 30x 0.00187; 1000 Genomes Project 0.00200; ExAC 0.00201; gnomAD exomes 0.00220 and 0.00398; gnomAD 0.00238 and 0.00239; TOPMed 0.00265; ESP Exome Variant Server 0.00323.
gnomAD v4.1: 6,200 of 1,613,844 alleles (0.38%); highest among the groups gnomAD compares: Non-Finnish European, 0.47%; 23 homozygotes.

Submissions (8):

Labcorp Genetics (formerly Invitae), Labcorp
Classification: Benign. Last evaluated: 2025-11-04. Review status: criteria provided, single submitter. Criteria: Invitae Variant Classification Sherloc (09022015). Collection method: clinical testing. Allele origin: germline.

Blueprint Genetics
Classification: Likely benign. Last evaluated: 2024-11-21. Review status: criteria provided, single submitter. Criteria: ACMG Guidelines, 2015. Collection method: clinical testing. Allele origin: germline.

GeneDx
Classification: Benign. Last evaluated: 2020-03-17. Review status: criteria provided, single submitter. Criteria: GeneDx Variant Classification Process June 2021. Collection method: clinical testing. Allele origin: germline. Affected: yes.
Comment: This variant is associated with the following publications: (PMID: 18510646)

Illumina Laboratory Services, Illumina
Classification: Uncertain significance for Autosomal recessive nonsyndromic hearing loss 37. Last evaluated: 2018-01-13. Review status: criteria provided, single submitter. Criteria: ICSL Variant Classification Criteria 13 December 2019. Collection method: clinical testing. Allele origin: germline.

Illumina Laboratory Services, Illumina
Classification: Likely benign for Autosomal dominant nonsyndromic hearing loss 22. Last evaluated: 2018-01-13. Review status: criteria provided, single submitter. Criteria: ICSL Variant Classification Criteria 13 December 2019. Collection method: clinical testing. Allele origin: germline.
Comment: This variant was observed in the ICSL laboratory as part of a predisposition screen in an ostensibly healthy population. It had not been previously curated by ICSL or reported in the Human Gene Mutation Database (HGMD: prior to June 1st, 2018), and was therefore a candidate for classification through an automated scoring system. Utilizing variant allele frequency, disease prevalence and penetrance estimates, and inheritance mode, an automated score was calculated to assess if this variant is too frequent to cause the disease. Based on the score and internal cut-off values, a variant classified as likely benign is not then subjected to further curation. The score for this variant resulted in a classification of likely benign for this disease.

Genomic Diagnostic Laboratory, Division of Genomic Diagnostics, Children's Hospital of Philadelphia
Classification: Likely benign. Last evaluated: 2015-08-10. Review status: criteria provided, single submitter. Criteria: DGD Variant Analysis Guidelines. Collection method: clinical testing. Allele origin: unknown.

Eurofins Ntd Llc (ga)
Classification: Benign. Last evaluated: 2015-02-09. Review status: criteria provided, single submitter. Criteria: EGL Classification Definitions 2015. Collection method: clinical testing. Allele origin: germline. Observed: 2 variant alleles, 2 heterozygotes.

Laboratory for Molecular Medicine, Mass General Brigham Personalized Medicine
Classification: Benign. Last evaluated: 2012-04-17. Review status: criteria provided, single submitter. Criteria: LMM Criteria. Collection method: clinical testing. Allele origin: germline. Observed: 13 variant alleles.
Comment: 1224-4A>G in intron 12 of MYO6: This variant is not expected to have clinical si gnificance because it is not located within the conserved region of the splice c onsensus sequence and has been identified in 0.4% (31/7018) of European American chromosomes and 0.2% (6/3738) of African American chromosomes in a broad popula tion by the NHLBI Exome sequencing project (d bSNP rs144031818).

NM_004999.4(MYO6):c.1224-4A>G

Gene: MYO6 (myosin VI; plus strand). Cytogenetic location: 6q14.1.
Variant type: single nucleotide variant.
Coding change: c.1224-4A>G on transcript NM_004999.4 (MANE Select); 4 bases into the intron before coding-DNA position 1224, A replaced by G.
Molecular consequence: intron variant.
Genome position (GRCh38, 1-based): chr6:75,857,093, A>G. VCF-style: chr6-75857093-A-G. GRCh37 (hg19) VCF-style: chr6-76566810-A-G.
Other names: c.1224-4A>G (NM_001368865.1, NM_001368866.1, NM_001368137.1 and 2 more transcripts); c.1209-4A>G (NM_001368138.1).
Identifiers: ClinVar variation 45136 (VCV000045136.26), dbSNP rs144031818, ClinGen allele CA135597.